The following is an entry in ClinVar:

GRCh38/hg38 Xp22.33-22.32(chrX:253138-5474235)x1

Genes: AKAP17A (A-kinase anchoring protein 17A; plus strand), ARSD (arylsulfatase D; minus strand), ARSD-AS1 (ARSD antisense RNA 1; plus strand), ARSF (arylsulfatase F; plus strand), ARSH (arylsulfatase family member H; plus strand) and 72 more. Cytogenetic location: Xp22.33-22.32.
Variant type: copy number loss.
Change: copy number 1 of chrX:253,138-5,474,235 (5.22 Mb, GRCh38 coordinates, 1-based), cytogenetic band Xp22.33-22.32.
Identifiers: ClinVar variation 4974723 (VCV004974723.1).

ClinVar aggregate classification (germline): Pathogenic (1 of 4 stars; one submission).

Submission:

Clinical Genomics Laboratory, Laboratory for Precision Diagnostics, University of Washington
Classification: Pathogenic. Last evaluated: 2024-12-20. Review status: criteria provided, single submitter. Criteria: ACMG/ClinGen CNV Guidelines, 2019. Collection method: clinical testing. Allele origin: unknown. Affected: yes. Observed: 1 variant allele.
Comment: This terminal deletion is approximately 5.22 Mb in size and contains 23 protein-coding genes, including SHOX, CDG1GG, and ARSL). PMID: 8723116 described a mother and daughter with a deletion of Xp22.33p22.32 whose sole feature was short stature.

Literature cited by the submitters: PubMed 8723116.